The following is an entry in ClinVar:

NM_000059.4(BRCA2):c.8135A>T (p.Asp2712Val)

Gene: BRCA2 (BRCA2 DNA repair associated; plus strand). Cytogenetic location: 13q13.1.
Variant type: single nucleotide variant.
Coding change: c.8135A>T on transcript NM_000059.4 (MANE Select); coding-DNA position 8135, A replaced by T.
Protein change: p.Asp2712Val; replaces aspartic acid 2712 with valine.
Molecular consequence: missense variant.
Genome position (GRCh38, 1-based): chr13:32,363,337, A>T. VCF-style: chr13-32363337-A-T. GRCh37 (hg19) VCF-style: chr13-32937474-A-T.
Other names: 8363A>T; short protein forms D2712V.
Identifiers: ClinVar variation 52510 (VCV000052510.45), dbSNP rs80359057, ClinGen allele CA025467.

ClinVar aggregate classification (germline): Conflicting classifications of pathogenicity. Review status: criteria provided, conflicting classifications (1 of 4 stars). 11 submissions from 11 submitters: Uncertain significance (8); Likely benign (1). 2 of the submissions do not count toward it. Last evaluated 2025-05-08.

Conditions:
Hereditary cancer-predisposing syndrome. Also called: Hereditary Cancer Syndrome; Tumor predisposition; Neoplastic Syndromes, Hereditary; Hereditary neoplastic syndrome. Identifiers: Orphanet 140162, MedGen C0027672, MeSH D009386, MONDO:0015356.
Hereditary breast ovarian cancer syndrome. Also called: Breast and ovarian cancer; BRCA1- and BRCA2-Associated Hereditary Breast and Ovarian Cancer; Hereditary breast and ovarian cancer; Hereditary breast and ovarian cancer syndrome (HBOC); Hereditary breast and ovarian cancer syndrome; Hereditary breast and/or ovarian cancer syndrome. Identifiers: Orphanet 145, MedGen C0677776, MeSH D061325, MONDO:0003582. Disease mechanism: loss of function.
Breast-ovarian cancer, familial, susceptibility to, 2 (BROVCA2). Also called: BRCA2 Hereditary Breast and Ovarian Cancer. Identifiers: Orphanet 145, MedGen C2675520, MONDO:0012933, OMIM 612555. Disease mechanism: loss of function.
Familial cancer of breast. Also called: BREAST CANCER, FAMILIAL; hereditary breast carcinoma; Hereditary breast cancer. Identifiers: Orphanet 227535, MedGen C0346153, MONDO:0016419, OMIM 114480. Disease mechanism: loss of function.

Allele frequency attached by ClinVar (database versions not stated): TOPMed below 0.00001.
gnomAD v4.1: 7 of 1,614,196 alleles (0.00043%); highest among the groups gnomAD compares: Non-Finnish European, 0.00059%; no homozygotes.

Submissions (11):

Ambry Genetics
Classification: Likely benign for Hereditary cancer-predisposing syndrome. Last evaluated: 2025-05-08. Review status: criteria provided, single submitter. Criteria: Ambry Variant Classification Scheme 2023. Collection method: clinical testing. Allele origin: germline.

ARUP Laboratories, Molecular Genetics and Genomics, ARUP Laboratories
Classification: Uncertain significance. Last evaluated: 2025-01-30. Review status: criteria provided, single submitter. Criteria: ARUP Molecular Germline Variant Investigation Process 2024. Collection method: clinical testing. Allele origin: germline.
Comment: The BRCA2 c.8135A>T; p.Asp2712Val variant (rs80359057, ClinVar Variation ID: 52510) is reported in the literature in an individual with breast cancer, although its clinical significance was unclear (Capanu 2011). This variant is absent from the Genome Aggregation Database (v2.1.1), indicating it is not a common polymorphism. Computational analyses predict that this variant is neutral (BayesDel: 0.035). Due to limited information, the clinical significance of this variant is uncertain at this time. References: Capanu M et al. Assessment of rare BRCA1 and BRCA2 variants of unknown significance using hierarchical modeling. Genet Epidemiol. 2011 Jul;35(5):389-97. PMID: 21520273.

Labcorp Genetics (formerly Invitae), Labcorp
Classification: Uncertain significance for Hereditary breast ovarian cancer syndrome. Last evaluated: 2025-01-01. Review status: criteria provided, single submitter. Criteria: Invitae Variant Classification Sherloc (09022015). Collection method: clinical testing. Allele origin: germline.
Comment: This sequence change replaces aspartic acid, which is acidic and polar, with valine, which is neutral and non-polar, at codon 2712 of the BRCA2 protein (p.Asp2712Val). This variant is not present in population databases (gnomAD no frequency). This missense change has been observed in individual(s) with breast cancer (PMID: 20104584, 21520273). ClinVar contains an entry for this variant (Variation ID: 52510). Invitae Evidence Modeling of protein sequence and biophysical properties (such as structural, functional, and spatial information, amino acid conservation, physicochemical variation, residue mobility, and thermodynamic stability) indicates that this missense variant is not expected to disrupt BRCA2 protein function with a negative predictive value of 95%. In summary, the available evidence is currently insufficient to determine the role of this variant in disease. Therefore, it has been classified as a Variant of Uncertain Significance.

Blueprint Genetics
Classification: Uncertain significance. Last evaluated: 2024-05-09. Review status: criteria provided, single submitter. Criteria: ACMG Guidelines, 2015. Collection method: clinical testing. Allele origin: germline.

CeGaT Center for Human Genetics Tuebingen
Classification: Uncertain significance. Last evaluated: 2024-04-01. Review status: criteria provided, single submitter. Criteria: CeGaT Center For Human Genetics Tuebingen Variant Classification Criteria Version 2. Collection method: clinical testing. Allele origin: germline. Affected: yes. Observed: 1 variant allele.
Comment: BRCA2: PM2, BP4

Baylor Genetics
Classification: Uncertain significance for Familial cancer of breast. Last evaluated: 2024-03-14. Review status: criteria provided, single submitter. Criteria: ACMG Guidelines, 2015. Collection method: clinical testing. Allele origin: unknown.

All of Us Research Program, National Institutes of Health
Classification: Uncertain significance for Breast-ovarian cancer, familial, susceptibility to, 2. Last evaluated: 2023-10-06. Review status: criteria provided, single submitter. Criteria: ACMG Guidelines, 2015. Collection method: clinical testing. Allele origin: germline. Inheritance: Autosomal dominant inheritance. Observed: 1 variant allele, 1 heterozygote.
Comment: This missense variant replaces aspartic acid with valine at codon 2712 of the BRCA2 protein. Computational prediction is inconclusive regarding the impact of this variant on protein structure and function (internally defined REVEL score threshold 0.5 < inconclusive < 0.7, PMID: 27666373). To our knowledge, functional studies have not been reported for this variant. This variant has been reported in at least two individuals affected with breast cancer (PMID: 20104584, 21520273, 33471991; Leiden Open Variation Database DB-ID BRCA2_000284). This variant has not been identified in the general population by the Genome Aggregation Database (gnomAD). The available evidence is insufficient to determine the role of this variant in disease conclusively. Therefore, this variant is classified as a Variant of Uncertain Significance.

This study involves interpretation of variants in research participants for the purpose of population health screening. Participant phenotype was not available at the time of variant classification. Additional details can be found in publication PMID: 35346344, PMCID: PMC8962531

Color Diagnostics, LLC DBA Color Health
Classification: Uncertain significance for Hereditary cancer-predisposing syndrome. Last evaluated: 2023-09-14. Review status: criteria provided, single submitter. Criteria: ACMG Guidelines, 2015. Collection method: clinical testing. Allele origin: germline.
Comment: This missense variant replaces aspartic acid with valine at codon 2712 of the BRCA2 protein. Computational prediction is inconclusive regarding the impact of this variant on protein structure and function (internally defined REVEL score threshold 0.5 < inconclusive < 0.7, PMID: 27666373). To our knowledge, functional studies have not been reported for this variant. This variant has been reported in at least two individuals affected with breast cancer (PMID: 20104584, 21520273, 33471991; Leiden Open Variation Database DB-ID BRCA2_000284). This variant has not been identified in the general population by the Genome Aggregation Database (gnomAD). The available evidence is insufficient to determine the role of this variant in disease conclusively. Therefore, this variant is classified as a Variant of Uncertain Significance.

GeneDx
Classification: Uncertain significance. Last evaluated: 2021-06-25. Review status: criteria provided, single submitter. Criteria: GeneDx Variant Classification Process June 2021. Collection method: clinical testing. Allele origin: germline. Affected: yes.
Comment: Not observed at significant frequency in large population cohorts (Lek 2016); In silico analysis supports that this missense variant does not alter protein structure/function; Has not been previously published as pathogenic or benign to our knowledge; Also known as 8363A>T; This variant is associated with the following publications: (PMID: 20104584, 27535533, 31131967, 12228710, 19043619)

Sharing Clinical Reports Project (SCRP)
Classification: Uncertain significance for Breast-ovarian cancer, familial 2. Last evaluated: 2011-11-23. Review status: no assertion criteria provided. Collection method: clinical testing. Allele origin: germline. Not counted in ClinVar's aggregate classification.

Breast Cancer Information Core (BIC) (BRCA2)
Classification: Uncertain significance for Breast-ovarian cancer, familial 2. Last evaluated: 2004-02-20. Review status: no assertion criteria provided. Collection method: clinical testing. Allele origin: germline. Affected: yes. Observed: 4 variant alleles. Not counted in ClinVar's aggregate classification.

Literature cited by the submitters: PubMed 19043619 (cited by Ambry Genetics); PubMed 20104584 (cited by 3 submitters); PubMed 21520273 (cited by 3 submitters); PubMed 33471991 (cited by All of Us Research Program, National Institutes of Health and Color Diagnostics, LLC DBA Color Health).